The following is an entry in ClinVar:

ClinVar aggregate classification (germline): Benign/Likely benign. Review status: criteria provided, multiple submitters, no conflicts (2 of 4 stars). 7 submissions from 7 submitters: Benign (3); Likely benign (4). Last evaluated 2026-01-18.

Conditions:
Microcephaly 5, primary, autosomal recessive (MCPH5). Also called: ASPM Primary Microcephaly. Identifiers: Orphanet 2512, MedGen C1837501, MONDO:0012106, OMIM 608716.

Allele frequency attached by ClinVar (database versions not stated): gnomAD exomes 0.00060 and 0.00160; ExAC 0.00197; 1000 Genomes Project 30x 0.00562; 1000 Genomes Project 0.00579; ESP Exome Variant Server 0.00584; gnomAD 0.00638 and 0.00689; TOPMed 0.00709.
gnomAD v4.1: 1,900 of 1,612,032 alleles (0.12%); highest among the groups gnomAD compares: African/African-American, 2.2%; 22 homozygotes.

Submissions (7):

Labcorp Genetics (formerly Invitae), Labcorp
Classification: Benign. Last evaluated: 2026-01-18. Review status: criteria provided, single submitter. Criteria: Invitae Variant Classification Sherloc (09022015). Collection method: clinical testing. Allele origin: germline.

Genome-Nilou Lab
Classification: Likely benign for Microcephaly 5, primary, autosomal recessive. Last evaluated: 2023-04-11. Review status: criteria provided, single submitter. Criteria: ACMG Guidelines, 2015. Collection method: clinical testing. Allele origin: germline. Affected: no.

Athena Diagnostics
Classification: Likely benign. Last evaluated: 2018-11-21. Review status: criteria provided, single submitter. Criteria: Athena Diagnostics Criteria. Collection method: clinical testing. Allele origin: germline.

Illumina Laboratory Services, Illumina
Classification: Likely benign for Microcephaly 5, primary, autosomal recessive. Last evaluated: 2018-01-13. Review status: criteria provided, single submitter. Criteria: ICSL Variant Classification Criteria 13 December 2019. Collection method: clinical testing. Allele origin: germline.
Comment: This variant was observed in the ICSL laboratory as part of a predisposition screen in an ostensibly healthy population. It had not been previously curated by ICSL or reported in the Human Gene Mutation Database (HGMD: prior to June 1st, 2018), and was therefore a candidate for classification through an automated scoring system. Utilizing variant allele frequency, disease prevalence and penetrance estimates, and inheritance mode, an automated score was calculated to assess if this variant is too frequent to cause the disease. Based on the score and internal cut-off values, a variant classified as likely benign is not then subjected to further curation. The score for this variant resulted in a classification of likely benign for this disease.

GeneDx
Classification: Benign. Last evaluated: 2015-04-18. Review status: criteria provided, single submitter. Criteria: GeneDx Variant Classification (06012015). Collection method: clinical testing. Allele origin: germline. Affected: yes.
Comment: This variant is considered likely benign or benign based on one or more of the following criteria: it is a conservative change, it occurs at a poorly conserved position in the protein, it is predicted to be benign by multiple in silico algorithms, and/or has population frequency not consistent with disease.

Genetic Services Laboratory, University of Chicago
Classification: Benign. Last evaluated: 2013-02-08. Review status: criteria provided, single submitter. Criteria: ACMG Guidelines, 2007. Collection method: clinical testing. Allele origin: germline. Inheritance: Autosomal recessive inheritance.

Breakthrough Genomics
Classification: Likely benign. Review status: criteria provided, single submitter. Criteria: ACMG Guidelines, 2015. Collection method: not provided. Allele origin: germline. Inheritance: Autosomal recessive inheritance. Affected: yes.

NM_018136.5(ASPM):c.1987G>T (p.Ala663Ser)

Gene: ASPM (assembly factor for spindle microtubules; minus strand). Cytogenetic location: 1q31.3.
Variant type: single nucleotide variant.
Coding change: c.1987G>T on transcript NM_018136.5 (MANE Select); coding-DNA position 1987, G replaced by T.
Protein change: p.Ala663Ser; replaces alanine 663 with serine.
Molecular consequence: missense variant.
Genome position (GRCh38, 1-based): chr1:197,139,806, C>A on the plus strand (G>T on the coding strand, the complement: ASPM is on the minus strand). VCF-style: chr1-197139806-C-A. GRCh37 (hg19) VCF-style: chr1-197108936-C-A.
Other names: c.1987G>T, p.Ala663Ser (NM_001206846.2); short protein forms A663S.
Identifiers: ClinVar variation 157790 (VCV000157790.20), dbSNP rs113611857, ClinGen allele CA171179.